The following is an entry in ClinVar:

NM_033026.6(PCLO):c.8511G>T (p.Arg2837Ser)

Gene: PCLO (piccolo presynaptic cytomatrix protein; minus strand). Cytogenetic location: 7q21.11.
Variant type: single nucleotide variant.
Coding change: c.8511G>T on transcript NM_033026.6 (MANE Select); coding-DNA position 8511, G replaced by T.
Protein change: p.Arg2837Ser; replaces arginine 2837 with serine.
Molecular consequence: missense variant.
Genome position (GRCh38, 1-based): chr7:82,952,442, C>A on the plus strand (G>T on the coding strand, the complement: PCLO is on the minus strand). VCF-style: chr7-82952442-C-A. GRCh37 (hg19) VCF-style: chr7-82581758-C-A.
Other names: c.8511G>T, p.Arg2837Ser (NM_014510.3); short protein forms R2837S.
Identifiers: ClinVar variation 1995604 (VCV001995604.4), dbSNP rs1584207075, ClinGen allele CA367910994.

ClinVar aggregate classification (germline): Uncertain significance (1 of 4 stars; one submission).

Allele frequency attached by ClinVar (database versions not stated): TOPMed 0.00001.

Submission:

Labcorp Genetics (formerly Invitae), Labcorp
Classification: Uncertain significance. Last evaluated: 2025-11-03. Review status: criteria provided, single submitter. Criteria: Invitae Variant Classification Sherloc (09022015). Collection method: clinical testing. Allele origin: germline.
Comment: This sequence change replaces arginine, which is basic and polar, with serine, which is neutral and polar, at codon 2837 of the PCLO protein (p.Arg2837Ser). This variant is not present in population databases (gnomAD no frequency). This variant has not been reported in the literature in individuals affected with PCLO-related conditions. ClinVar contains an entry for this variant (Variation ID: 1995604). Experimental studies and prediction algorithms are not available or were not evaluated, and the functional significance of this variant is currently unknown. In summary, the available evidence is currently insufficient to determine the role of this variant in disease. Therefore, it has been classified as a Variant of Uncertain Significance.